The following is an entry in ClinVar:

ClinVar aggregate classification (germline): Uncertain significance (1 of 4 stars; one submission).

Conditions:
Norman-Roberts syndrome (LIS2). Also called: Lissencephaly 2 (Norman-Roberts type). Identifiers: Orphanet 89844, MedGen C0796089, MONDO:0009760, OMIM 257320.
Familial temporal lobe epilepsy 7. Identifiers: Orphanet 101046, MedGen C4225327, MONDO:0014639, OMIM 616436.

Submission:

Labcorp Genetics (formerly Invitae), Labcorp
Classification: Uncertain significance for Familial temporal lobe epilepsy 7; Norman-Roberts syndrome. Last evaluated: 2025-11-25. Review status: criteria provided, single submitter. Criteria: Invitae Variant Classification Sherloc (09022015). Collection method: clinical testing. Allele origin: germline.
Comment: This sequence change replaces tryptophan, which is neutral and slightly polar, with glycine, which is neutral and non-polar, at codon 1892 of the RELN protein (p.Trp1892Gly). This variant is not present in population databases (gnomAD no frequency). This variant has not been reported in the literature in individuals affected with RELN-related conditions. Invitae Evidence Modeling of protein sequence and biophysical properties (such as structural, functional, and spatial information, amino acid conservation, physicochemical variation, residue mobility, and thermodynamic stability) has been performed for this missense variant. However, the output from this modeling did not meet the statistical confidence thresholds required to predict the impact of this variant on RELN protein function. In summary, the available evidence is currently insufficient to determine the role of this variant in disease. Therefore, it has been classified as a Variant of Uncertain Significance.

NM_005045.4(RELN):c.5674T>G (p.Trp1892Gly)

Gene: RELN (reelin; minus strand). Cytogenetic location: 7q22.1.
Variant type: single nucleotide variant.
Coding change: c.5674T>G on transcript NM_005045.4 (MANE Select); coding-DNA position 5674, T replaced by G.
Protein change: p.Trp1892Gly; replaces tryptophan 1892 with glycine.
Molecular consequence: missense variant.
Genome position (GRCh38, 1-based): chr7:103,557,100, A>C on the plus strand (T>G on the coding strand, the complement: RELN is on the minus strand). VCF-style: chr7-103557100-A-C. GRCh37 (hg19) VCF-style: chr7-103197547-A-C.
Other names: c.5674T>G, p.Trp1892Gly (NM_173054.3); short protein forms W1892G.
Identifiers: ClinVar variation 4782468 (VCV004782468.1).